The following is an entry in ClinVar:

NM_021728.4(OTX2):c.443C>T (p.Pro148Leu)

Gene: OTX2 (orthodenticle homeobox 2; minus strand). Cytogenetic location: 14q22.3.
Variant type: single nucleotide variant.
Coding change: c.443C>T on transcript NM_021728.4 (MANE Select); coding-DNA position 443, C replaced by T.
Protein change: p.Pro148Leu; replaces proline 148 with leucine.
Molecular consequence: missense variant. On other transcripts: non-coding transcript variant (2).
Genome position (GRCh38, 1-based): chr14:56,802,186, G>A on the plus strand (C>T on the coding strand, the complement: OTX2 is on the minus strand). VCF-style: chr14-56802186-G-A. GRCh37 (hg19) VCF-style: chr14-57268904-G-A.
Other names: c.419C>T (NM_172337.1); c.419C>T, p.Pro140Leu (NM_001270523.2, NM_001270524.2, NM_172337.3); c.443C>T, p.Pro148Leu (NM_001270525.2); short protein forms P148L, P140L.
Identifiers: ClinVar variation 1514432 (VCV001514432.9), dbSNP rs201721391, ClinGen allele CA7200479.

ClinVar aggregate classification (germline): Conflicting classifications of pathogenicity. Review status: criteria provided, conflicting classifications (1 of 4 stars). 2 submissions from 2 submitters: Uncertain significance (1); Likely benign (1). Last evaluated 2025-04-26.

Conditions:
Inborn genetic diseases. Identifiers: MedGen C0950123, MeSH D030342.
Anophthalmia-microphthalmia syndrome. Also called: Anophthalmia/Microphthalmia; Anophthalmia - microphthalmia. Identifiers: Orphanet 98555, MedGen C5680330, MONDO:0020147.

Allele frequency attached by ClinVar (database versions not stated): ExAC 0.00004; ESP Exome Variant Server 0.00008.
gnomAD v4.1: 94 of 1,613,994 alleles (0.0058%); highest among the groups gnomAD compares: Non-Finnish European, 0.0076%; no homozygotes.

Submissions (2):

Labcorp Genetics (formerly Invitae), Labcorp
Classification: Uncertain significance for Anophthalmia-microphthalmia syndrome. Last evaluated: 2025-04-26. Review status: criteria provided, single submitter. Criteria: Invitae Variant Classification Sherloc (09022015). Collection method: clinical testing. Allele origin: germline.
Comment: This sequence change replaces proline, which is neutral and non-polar, with leucine, which is neutral and non-polar, at codon 140 of the OTX2 protein (p.Pro140Leu). This variant is present in population databases (rs201721391, gnomAD 0.009%). This variant has not been reported in the literature in individuals affected with OTX2-related conditions. ClinVar contains an entry for this variant (Variation ID: 1514432). An algorithm developed to predict the effect of missense changes on protein structure and function (PolyPhen-2) suggests that this variant is likely to be tolerated. In summary, the available evidence is currently insufficient to determine the role of this variant in disease. Therefore, it has been classified as a Variant of Uncertain Significance.

Ambry Genetics
Classification: Likely benign for Inborn genetic diseases. Last evaluated: 2024-08-12. Review status: criteria provided, single submitter. Criteria: Ambry Variant Classification Scheme 2023. Collection method: clinical testing. Allele origin: germline.